The following is an entry in ClinVar:

NM_006648.4(WNK2):c.6392A>G (p.Glu2131Gly)

Gene: WNK2 (WNK lysine deficient protein kinase 2; plus strand). Cytogenetic location: 9q22.31.
Variant type: single nucleotide variant.
Coding change: c.6392A>G on transcript NM_006648.4 (MANE Select); coding-DNA position 6392, A replaced by G.
Protein change: p.Glu2131Gly; replaces glutamic acid 2131 with glycine.
Molecular consequence: missense variant.
Genome position (GRCh38, 1-based): chr9:93,308,460, A>G. VCF-style: chr9-93308460-A-G. GRCh37 (hg19) VCF-style: chr9-96070742-A-G.
Other names: c.6503A>G, p.Glu2168Gly (NM_001282394.3); short protein forms E2131G, E2168G.
Identifiers: ClinVar variation 4826220 (VCV004826220.1).
Genomic context (GRCh38, chr9:93,308,460, plus strand): 5'-TGAACAACAGCAACAACAAGAAGGGTACCTTCACGGACGACCTGCACAAGCTGGTGGACG[A>G]GTGGACGAGCAAGACGGTGGGGGCCGCGCAGCTGAAGCCCACGCTCAACCAGCTGAAGCA-3'
Protein context (NP_006639.3, residues 2121-2141): FTDDLHKLVD[Glu2131Gly]WTSKTVGAAQ

ClinVar aggregate classification (germline): Uncertain significance (1 of 4 stars; one submission).

Submission:

Ambry Genetics
Classification: Uncertain significance. Last evaluated: 2026-02-27. Review status: criteria provided, single submitter. Criteria: Ambry Variant Classification Scheme 2023. Collection method: clinical testing. Allele origin: germline.
Comment: The p.E2131G variant (also known as c.6392A>G), located in coding exon 27 of the WNK2 gene, results from an A to G substitution at nucleotide position 6392. The glutamic acid at codon 2131 is replaced by glycine, an amino acid with similar properties. This amino acid position is conserved. In addition, the in silico prediction for this alteration is inconclusive. Based on the available evidence, the clinical significance of this variant remains unclear.